The following is an entry in ClinVar:

ClinVar aggregate classification (germline): Uncertain significance (1 of 4 stars; one submission).

Allele frequency attached by ClinVar (database versions not stated): TOPMed 0.00001; gnomAD 0.00005; ExAC 0.00009; 1000 Genomes Project 0.00040; 1000 Genomes Project 30x 0.00047.
gnomAD v4.1: 65 of 1,613,944 alleles (0.004%); highest among the groups gnomAD compares: Middle Eastern, 0.12%; no homozygotes.

Submission:

GeneDx
Classification: Uncertain significance. Last evaluated: 2022-11-22. Review status: criteria provided, single submitter. Criteria: GeneDx Variant Classification Process June 2021. Collection method: clinical testing. Allele origin: germline. Affected: yes.
Comment: In silico analysis supports that this missense variant does not alter protein structure/function; Has not been previously published as pathogenic or benign to our knowledge

NM_015103.3(PLXND1):c.2890G>A (p.Val964Met)

Gene: PLXND1 (plexin D1; minus strand). Cytogenetic location: 3q22.1.
Variant type: single nucleotide variant.
Coding change: c.2890G>A on transcript NM_015103.3 (MANE Select); coding-DNA position 2890, G replaced by A.
Protein change: p.Val964Met; replaces valine 964 with methionine.
Molecular consequence: missense variant.
Genome position (GRCh38, 1-based): chr3:129,572,889, C>T on the plus strand (G>A on the coding strand, the complement: PLXND1 is on the minus strand). VCF-style: chr3-129572889-C-T. GRCh37 (hg19) VCF-style: chr3-129291732-C-T.
Other names: short protein forms V964M.
Identifiers: ClinVar variation 1800855 (VCV001800855.1), dbSNP rs553781761, ClinGen allele CA2608839.